The following is an entry in ClinVar:

NM_000218.3(KCNQ1):c.396C>T (p.Ile132=)

Gene: KCNQ1 (potassium voltage-gated channel subfamily Q member 1; plus strand). Cytogenetic location: 11p15.5.
Variant type: single nucleotide variant.
Coding change: c.396C>T on transcript NM_000218.3 (MANE Select); coding-DNA position 396, C replaced by T.
Protein change: p.Ile132=; no amino-acid change (isoleucine 132 retained).
Molecular consequence: synonymous variant.
Genome position (GRCh38, 1-based): chr11:2,527,937, C>T. VCF-style: chr11-2527937-C-T. GRCh37 (hg19) VCF-style: chr11-2549167-C-T.
Other names: c.396C>T, p.Ile132= (NM_001406836.1, NM_001406838.1); c.126C>T, p.Ile42= (NM_001406837.1); c.15C>T, p.Ile5= (NM_181798.2).
Identifiers: ClinVar variation 456867 (VCV000456867.15), dbSNP rs1400426641, ClinGen allele CA472038217.

ClinVar aggregate classification (germline): Conflicting classifications of pathogenicity. Review status: criteria provided, conflicting classifications (1 of 4 stars). 5 submissions from 5 submitters: Uncertain significance (1); Likely benign (4). Last evaluated 2024-07-23.

Conditions:
Cardiac arrhythmia. Also called: Cardiac rhythm disease; Arrhythmia. Identifiers: MedGen C0003811, MONDO:0007263, HP:0011675.
Cardiovascular phenotype. Identifiers: MedGen CN230736.
Long QT syndrome (LQTS). Identifiers: MedGen C0023976, MeSH D008133, MONDO:0002442. Disease mechanism: loss of function. Inheritance: Various modes of inheritance.

Allele frequency attached by ClinVar (database versions not stated): gnomAD exomes below 0.00001; TOPMed 0.00001.
gnomAD v4.1: 10 of 1,614,044 alleles (0.00062%); highest among the groups gnomAD compares: Middle Eastern, 0.016%; no homozygotes.

Submissions (5):

Labcorp Genetics (formerly Invitae), Labcorp
Classification: Likely benign for Long QT syndrome. Last evaluated: 2024-07-23. Review status: criteria provided, single submitter. Criteria: Invitae Variant Classification Sherloc (09022015). Collection method: clinical testing. Allele origin: germline.

Blueprint Genetics
Classification: Uncertain significance. Last evaluated: 2024-03-26. Review status: criteria provided, single submitter. Criteria: ACMG Guidelines, 2015. Collection method: clinical testing. Allele origin: germline.

All of Us Research Program, National Institutes of Health
Classification: Likely benign for Long QT syndrome. Last evaluated: 2023-10-23. Review status: criteria provided, single submitter. Criteria: ACMG Guidelines, 2015. Collection method: clinical testing. Allele origin: germline. Inheritance: Autosomal dominant inheritance. Observed: 1 variant allele, 1 heterozygote.
Comment: This study involves interpretation of variants in research participants for the purpose of population health screening. Participant phenotype was not available at the time of variant classification. Additional details can be found in publication PMID: 35346344, PMCID: PMC8962531

Ambry Genetics
Classification: Likely benign for Cardiovascular phenotype. Last evaluated: 2023-05-22. Review status: criteria provided, single submitter. Criteria: Ambry Variant Classification Scheme 2023. Collection method: clinical testing. Allele origin: germline.

Color Diagnostics, LLC DBA Color Health
Classification: Likely benign for Cardiac arrhythmia. Last evaluated: 2022-11-06. Review status: criteria provided, single submitter. Criteria: ACMG Guidelines, 2015. Collection method: clinical testing. Allele origin: germline.